The following is an entry in ClinVar:

NM_000823.4(GHRHR):c.29T>G (p.Val10Gly)

Gene: GHRHR (growth hormone releasing hormone receptor; plus strand). Cytogenetic location: 7p14.3.
Variant type: single nucleotide variant.
Coding change: c.29T>G on transcript NM_000823.4 (MANE Select); coding-DNA position 29, T replaced by G.
Protein change: p.Val10Gly; replaces valine 10 with glycine.
Molecular consequence: missense variant.
Genome position (GRCh38, 1-based): chr7:30,964,097, T>G. VCF-style: chr7-30964097-T-G. GRCh37 (hg19) VCF-style: chr7-31003712-T-G.
Other names: short protein forms V10G.
Identifiers: ClinVar variation 360027 (VCV000360027.14), dbSNP rs139599160, ClinGen allele CA4208371.

ClinVar aggregate classification (germline): Uncertain significance. Review status: criteria provided, multiple submitters, no conflicts (2 of 4 stars). 6 submissions from 6 submitters: Uncertain significance (4). 2 of the submissions do not count toward it. Last evaluated 2026-05-30.

Allele frequency attached by ClinVar (database versions not stated): ExAC 0.00010; ESP Exome Variant Server 0.00017; gnomAD 0.00025; TOPMed 0.00026.
gnomAD v4.1: 308 of 1,550,080 alleles (0.02%); highest among the groups gnomAD compares: Admixed American, 0.033%; no homozygotes.

Submissions (6):

GeneDx
Classification: Uncertain significance. Last evaluated: 2026-05-30. Review status: criteria provided, single submitter. Criteria: GeneDx Variant Classification Process June 2021. Collection method: clinical testing. Allele origin: germline.
Comment: Observed as a heterozygous variant in patients with short stature in published literature, although a second GHRHR variant was not reported in all cases (PMID: 19622623, 38087044); Published functional studies suggest a damaging effect with disrupted signal peptide cleavage and receptor localization (PMID: 19622623); In silico analysis suggests that this missense variant does not alter protein structure/function; This variant is associated with the following publications: (PMID: 38087044, 19622623, LessiM2001[CaseReport])

Women's Health and Genetics/Laboratory Corporation of America, LabCorp
Classification: Uncertain significance. Last evaluated: 2023-11-16. Review status: criteria provided, single submitter. Criteria: LabCorp Variant Classification Summary - May 2015. Collection method: clinical testing. Allele origin: germline.
Comment: Variant summary: GHRHR c.29T>G (p.Val10Gly) results in a non-conservative amino acid change in the encoded protein sequence. Four of five in-silico tools predict a benign effect of the variant on protein function. The variant allele was found at a frequency of 0.00019 in 154880 control chromosomes (gnomAD). c.29T>G has been reported in the literature in the heterozygous state in individuals affected with Isolated growth hormone deficiency, as well as in unaffected individuals (Godi_2009). This report does not provide unequivocal conclusions about association of the variant with Isolated growth hormone deficiency, type 4. At least one publication reports experimental evidence evaluating an impact on protein function, finding that it disrupts cleavage of the signal peptide and localization to the cell surface (Godi_2009). The following publication has been ascertained in the context of this evaluation (PMID: 19622623). Two submitters have cited clinical-significance assessments for this variant to ClinVar after 2014. Both submitters classified the variant as uncertain significance. Based on the evidence outlined above, the variant was classified as VUS-possibly pathogenic.

Labcorp Genetics (formerly Invitae), Labcorp
Classification: Uncertain significance. Last evaluated: 2021-11-14. Review status: criteria provided, single submitter. Criteria: Invitae Variant Classification Sherloc (09022015). Collection method: clinical testing. Allele origin: germline.
Comment: This sequence change replaces valine, which is neutral and non-polar, with glycine, which is neutral and non-polar, at codon 10 of the GHRHR protein (p.Val10Gly). This variant is present in population databases (rs139599160, gnomAD 0.04%). This missense change has been observed in individual(s) with clinical features of growth hormone deficiency sufficient (PMID: 19622623). ClinVar contains an entry for this variant (Variation ID: 360027). Algorithms developed to predict the effect of missense changes on protein structure and function are either unavailable or do not agree on the potential impact of this missense change (SIFT: "Deleterious"; PolyPhen-2: "Benign"; Align-GVGD: "Class C0"). Experimental studies have shown that this missense change affects GHRHR function (PMID: 19622623). In summary, the available evidence is currently insufficient to determine the role of this variant in disease. Therefore, it has been classified as a Variant of Uncertain Significance.

Breakthrough Genomics
Classification: Uncertain significance. Review status: criteria provided, single submitter. Criteria: ACMG Guidelines, 2015. Collection method: not provided. Allele origin: germline. Inheritance: Autosomal recessive inheritance. Affected: yes.

Joint Genome Diagnostic Labs from Nijmegen and Maastricht, Radboudumc and MUMC+
Classification: Uncertain significance. Review status: no assertion criteria provided. Collection method: clinical testing. Allele origin: germline. Affected: yes. Study: VKGL Data-share Consensus. Not counted in ClinVar's aggregate classification.

Laboratory of Diagnostic Genome Analysis, Leiden University Medical Center (LUMC)
Classification: Uncertain significance. Review status: no assertion criteria provided. Collection method: clinical testing. Allele origin: germline. Affected: yes. Study: VKGL Data-share Consensus. Not counted in ClinVar's aggregate classification.

Literature cited by the submitters: PubMed 19622623 (cited by Women's Health and Genetics/Laboratory Corporation of America, LabCorp and Labcorp Genetics (formerly Invitae), Labcorp).